The following is an entry in ClinVar:

NM_001148.6(ANK2):c.7742G>A (p.Arg2581Lys)

Genes: ANK2 (ankyrin 2; plus strand), LOC126807137 (CDK7 strongly-dependent group 2 enhancer GRCh37_chr4:114276560-114277759; plus strand). Cytogenetic location: 4q26.
Variant type: single nucleotide variant.
Coding change: c.7742G>A on transcript NM_001148.6 (MANE Select); coding-DNA position 7742, G replaced by A.
Protein change: p.Arg2581Lys; replaces arginine 2581 with lysine.
Molecular consequence: missense variant. On other transcripts: intron variant (68).
Genome position (GRCh38, 1-based): chr4:113,356,360, G>A. VCF-style: chr4-113356360-G-A. GRCh37 (hg19) VCF-style: chr4-114277516-G-A.
Other names: c.7508G>A, p.Arg2503Lys (NM_001386142.1); c.4142G>A, p.Arg1381Lys (NM_001386166.1); c.7883G>A, p.Arg2628Lys (NM_001386174.1); c.7859G>A, p.Arg2620Lys (NM_001386175.1); c.4412-4463G>A (NM_001386186.2, NM_001386148.2); c.4214-4463G>A (NM_001354269.3); c.4292-4463G>A (NM_001386187.2); c.4253-4463G>A (NM_001386147.1); and 35 more; short protein forms R2581K, R1381K, R2503K, R2620K, R2628K.
Identifiers: ClinVar variation 526985 (VCV000526985.11), dbSNP rs369041815, ClinGen allele CA3051647.

ClinVar aggregate classification (germline): Conflicting classifications of pathogenicity. Review status: criteria provided, conflicting classifications (1 of 4 stars). 3 submissions from 3 submitters: Uncertain significance (2); Likely benign (1). Last evaluated 2024-05-22.

Conditions:
Cardiac arrhythmia, ankyrin-B-related. Also called: ANKYRIN-B SYNDROME. Identifiers: Orphanet 101016, Orphanet 768, MedGen C1970119, MONDO:0010958, OMIM 600919.
Cardiovascular phenotype. Identifiers: MedGen CN230736.
Long QT syndrome (LQTS). Identifiers: MedGen C0023976, MeSH D008133, MONDO:0002442. Disease mechanism: loss of function. Inheritance: Various modes of inheritance.

Allele frequency attached by ClinVar (database versions not stated): gnomAD 0.00001; gnomAD exomes 0.00001 and 0.00002; ESP Exome Variant Server 0.00008; ExAC 0.00001; TOPMed 0.00005.
gnomAD v4.1: 10 of 1,613,998 alleles (0.00062%); highest among the groups gnomAD compares: African/African-American, 0.0027%; no homozygotes.

Submissions (3):

Labcorp Genetics (formerly Invitae), Labcorp
Classification: Uncertain significance for Long QT syndrome. Last evaluated: 2024-05-22. Review status: criteria provided, single submitter. Criteria: Invitae Variant Classification Sherloc (09022015). Collection method: clinical testing. Allele origin: germline.
Comment: This sequence change replaces arginine, which is basic and polar, with lysine, which is basic and polar, at codon 2581 of the ANK2 protein (p.Arg2581Lys). This variant is present in population databases (rs369041815, gnomAD 0.02%). This variant has not been reported in the literature in individuals affected with ANK2-related conditions. ClinVar contains an entry for this variant (Variation ID: 526985). An algorithm developed to predict the effect of missense changes on protein structure and function (PolyPhen-2) suggests that this variant is likely to be disruptive. In summary, the available evidence is currently insufficient to determine the role of this variant in disease. Therefore, it has been classified as a Variant of Uncertain Significance.

Fulgent Genetics
Classification: Uncertain significance for Cardiac arrhythmia, ankyrin-B-related. Last evaluated: 2021-10-26. Review status: criteria provided, single submitter. Criteria: ACMG Guidelines, 2015. Collection method: clinical testing. Allele origin: unknown.

Ambry Genetics
Classification: Likely benign for Cardiovascular phenotype. Last evaluated: 2021-02-23. Review status: criteria provided, single submitter. Criteria: Ambry Variant Classification Scheme 2023. Collection method: clinical testing. Allele origin: germline.